The following is an entry in ClinVar:

ClinVar aggregate classification (germline): Likely benign (0 of 4 stars; one submission).

Conditions:
NRP1-related disorder. Also called: NRP1-related condition.

gnomAD v4.1: 8 of 1,614,000 alleles (0.0005%); highest among the groups gnomAD compares: Admixed American, 0.013%; no homozygotes.

Submission:

PreventionGenetics, part of Exact Sciences
Classification: Likely benign for NRP1-related condition. Last evaluated: 2023-03-15. Review status: no assertion criteria provided. Collection method: clinical testing. Allele origin: germline.
Comment: This variant is classified as likely benign based on ACMG/AMP sequence variant interpretation guidelines (Richards et al. 2015 PMID: 25741868, with internal and published modifications).

NM_003873.7(NRP1):c.720G>C (p.Ser240=)

Gene: NRP1 (neuropilin 1; minus strand). Cytogenetic location: 10p11.22.
Variant type: single nucleotide variant.
Coding change: c.720G>C on transcript NM_003873.7 (MANE Select); coding-DNA position 720, G replaced by C.
Protein change: p.Ser240=; no amino-acid change (serine 240 retained).
Molecular consequence: synonymous variant. On other transcripts: non-coding transcript variant (1).
Genome position (GRCh38, 1-based): chr10:33,256,410, C>G on the plus strand (G>C on the coding strand, the complement: NRP1 is on the minus strand). VCF-style: chr10-33256410-C-G. GRCh37 (hg19) VCF-style: chr10-33545338-C-G.
Other names: c.720G>C, p.Ser240= (NM_001024628.3, NM_001024629.3, NM_001244972.2 and 2 more transcripts).
Identifiers: ClinVar variation 3032573 (VCV003032573.2), dbSNP rs142485008, ClinGen allele CA5466883.